The following is an entry in ClinVar:

NM_005876.5(SPEG):c.418G>A (p.Asp140Asn)

Gene: SPEG (striated muscle enriched protein kinase; plus strand). Cytogenetic location: 2q35.
Variant type: single nucleotide variant.
Coding change: c.418G>A on transcript NM_005876.5 (MANE Select); coding-DNA position 418, G replaced by A.
Protein change: p.Asp140Asn; replaces aspartic acid 140 with asparagine.
Molecular consequence: missense variant.
Genome position (GRCh38, 1-based): chr2:219,444,682, G>A. VCF-style: chr2-219444682-G-A. GRCh37 (hg19) VCF-style: chr2-220309404-G-A.
Other names: short protein forms D140N.
Identifiers: ClinVar variation 1028951 (VCV001028951.2), dbSNP rs202151661, ClinGen allele CA2125478.

ClinVar aggregate classification (germline): Uncertain significance. Review status: criteria provided, multiple submitters, no conflicts (2 of 4 stars). 2 submissions from 2 submitters: Uncertain significance (2). Last evaluated 2022-02-01.

Conditions:
Myopathy, centronuclear, 5 (CNM5). Identifiers: Orphanet 169186, MedGen C4014814, MONDO:0014418, OMIM 615959.

Allele frequency attached by ClinVar (database versions not stated): gnomAD exomes 0.00002 and 0.00003; gnomAD 0.00003; ExAC 0.00004; TOPMed 0.00006; ESP Exome Variant Server 0.00008; 1000 Genomes Project 30x 0.00016; 1000 Genomes Project 0.00020.

Submissions (2):

Daryl Scott Lab, Baylor College of Medicine
Classification: Uncertain significance for Myopathy, centronuclear, 5. Last evaluated: 2022-02-01. Review status: criteria provided, single submitter. Criteria: ACMG Guidelines, 2015. Collection method: clinical testing. Allele origin: biparental. Observed: 1 variant allele, 1 compound heterozygote.

Baylor Genetics
Classification: Uncertain significance for Myopathy, centronuclear, 5. Last evaluated: 2020-04-03. Review status: criteria provided, single submitter. Criteria: ACMG Guidelines, 2015. Collection method: clinical testing. Allele origin: unknown. Affected: yes.
Comment: This variant was determined to be of uncertain significance according to ACMG Guidelines, 2015 [PMID:25741868].

Literature cited by the submitters: PubMed 36474027 (cited by Daryl Scott Lab, Baylor College of Medicine).